The following is an entry in ClinVar:

NM_021961.6(TEAD1):c.565C>T (p.Pro189Ser)

Gene: TEAD1 (TEA domain transcription factor 1; plus strand). Cytogenetic location: 11p15.3.
Variant type: single nucleotide variant.
Coding change: c.565C>T on transcript NM_021961.6 (MANE Select); coding-DNA position 565, C replaced by T.
Protein change: p.Pro189Ser; replaces proline 189 with serine.
Molecular consequence: missense variant.
Genome position (GRCh38, 1-based): chr11:12,881,948, C>T. VCF-style: chr11-12881948-C-T. GRCh37 (hg19) VCF-style: chr11-12903495-C-T.
Other names: c.565C>T (NM_021961.5); short protein forms P189S.
Identifiers: ClinVar variation 1415374 (VCV001415374.9), dbSNP rs765530388, ClinGen allele CA5891657.

ClinVar aggregate classification (germline): Uncertain significance. Review status: criteria provided, multiple submitters, no conflicts (2 of 4 stars). 2 submissions from 2 submitters: Uncertain significance (2). Last evaluated 2023-05-30.

Conditions:
Inborn genetic diseases. Identifiers: MedGen C0950123, MeSH D030342.

Allele frequency attached by ClinVar (database versions not stated): gnomAD exomes below 0.00001 and 0.00002; gnomAD 0.00001; ExAC 0.00002; TOPMed 0.00002.
gnomAD v4.1: 8 of 1,614,074 alleles (0.0005%); highest among the groups gnomAD compares: East Asian, 0.016%; no homozygotes.

Submissions (2):

Ambry Genetics
Classification: Uncertain significance for Inborn genetic diseases. Last evaluated: 2023-05-30. Review status: criteria provided, single submitter. Criteria: Ambry Variant Classification Scheme 2023. Collection method: clinical testing. Allele origin: germline.

Labcorp Genetics (formerly Invitae), Labcorp
Classification: Uncertain significance. Last evaluated: 2021-03-21. Review status: criteria provided, single submitter. Criteria: Invitae Variant Classification Sherloc (09022015). Collection method: clinical testing. Allele origin: germline.
Comment: Algorithms developed to predict the effect of missense changes on protein structure and function (SIFT, PolyPhen-2, Align-GVGD) all suggest that this variant is likely to be tolerated, but these predictions have not been confirmed by published functional studies and their clinical significance is uncertain. This variant has not been reported in the literature in individuals with TEAD1-related conditions. This variant is present in population databases (rs765530388, ExAC 0.03%). This sequence change replaces proline with serine at codon 189 of the TEAD1 protein (p.Pro189Ser). The proline residue is moderately conserved and there is a moderate physicochemical difference between proline and serine. In summary, the available evidence is currently insufficient to determine the role of this variant in disease. Therefore, it has been classified as a Variant of Uncertain Significance.